The following is an entry in ClinVar:

NM_002778.4(PSAP):c.1374C>T (p.Tyr458=)

Gene: PSAP (prosaposin; minus strand). Cytogenetic location: 10q22.1.
Variant type: single nucleotide variant.
Coding change: c.1374C>T on transcript NM_002778.4 (MANE Select); coding-DNA position 1374, C replaced by T.
Protein change: p.Tyr458=; no amino-acid change (tyrosine 458 retained).
Molecular consequence: synonymous variant.
Genome position (GRCh38, 1-based): chr10:71,819,088, G>A on the plus strand (C>T on the coding strand, the complement: PSAP is on the minus strand). VCF-style: chr10-71819088-G-A. GRCh37 (hg19) VCF-style: chr10-73578845-G-A.
Other names: c.1383C>T, p.Tyr461= (NM_001042465.3); c.1380C>T, p.Tyr460= (NM_001042466.3).
Identifiers: ClinVar variation 724220 (VCV000724220.23), dbSNP rs146925179, ClinGen allele CA5547369.

ClinVar aggregate classification (germline): Likely benign. Review status: criteria provided, multiple submitters, no conflicts (2 of 4 stars). 5 submissions from 5 submitters: Likely benign (4). 1 of the submissions does not count toward it. Last evaluated 2026-04-01.

Conditions:
Sphingolipid activator protein 1 deficiency. Also called: METACHROMATIC LEUKODYSTROPHY DUE TO CEREBROSIDE SULFATASE ACTIVATOR DEFICIENCY; Saposin B Deficiency; Metachromatic leukodystrophy due to saposin B deficiency. Identifiers: Orphanet 512, MedGen C0268262, MONDO:0009590, OMIM 249900.
Metachromatic leukodystrophy (MLD). Also called: ARSA DEFICIENCY; CEREBROSIDE SULFATASE DEFICIENCY; METACHROMATIC LEUKOENCEPHALOPATHY; Cerebral sclerosis diffuse metachromatic form; Arylsulfatase A Deficiency; SULFATIDE LIPIDOSIS. Identifiers: Orphanet 512, MedGen C0023522, MONDO:0018868, OMIM 250100.

Allele frequency attached by ClinVar (database versions not stated): ExAC 0.00014; gnomAD 0.00019 and 0.00021; gnomAD exomes 0.00019 and 0.00034; ESP Exome Variant Server 0.00023; TOPMed 0.00025.
gnomAD v4.1: 520 of 1,614,088 alleles (0.032%); highest among the groups gnomAD compares: Middle Eastern, 0.082%; no homozygotes.

Submissions (5):

CeGaT Center for Human Genetics Tuebingen
Classification: Likely benign. Last evaluated: 2026-04-01. Review status: criteria provided, single submitter. Criteria: CeGaT Center For Human Genetics Tuebingen Variant Classification Criteria Version 2. Collection method: clinical testing. Allele origin: germline. Affected: yes. Observed: 2 variant alleles.
Comment: PSAP: BP4, BP7

Labcorp Genetics (formerly Invitae), Labcorp
Classification: Likely benign for Sphingolipid activator protein 1 deficiency. Last evaluated: 2026-01-12. Review status: criteria provided, single submitter. Criteria: Invitae Variant Classification Sherloc (09022015). Collection method: clinical testing. Allele origin: germline.

Women's Health and Genetics/Laboratory Corporation of America, LabCorp
Classification: Likely benign. Last evaluated: 2025-09-22. Review status: criteria provided, single submitter. Criteria: LabCorp Variant Classification Summary - May 2015. Collection method: clinical testing. Allele origin: germline.

Breakthrough Genomics
Classification: Likely benign. Review status: criteria provided, single submitter. Criteria: ACMG Guidelines, 2015. Collection method: not provided. Allele origin: germline. Inheritance: Autosomal recessive inheritance. Affected: yes.

Natera, Inc.
Classification: Uncertain significance for Metachromatic leukodystrophy. Last evaluated: 2020-04-11. Review status: no assertion criteria provided. Collection method: clinical testing. Allele origin: germline. Not counted in ClinVar's aggregate classification.